The following is an entry in ClinVar:

ClinVar aggregate classification (germline): Uncertain significance (1 of 4 stars; one submission).

Conditions:
Atypical hemolytic-uremic syndrome. Identifiers: Orphanet 2134, MedGen C2931788, MONDO:0016244.

Submissions (2):

Genomenon, Inc
Classification: Uncertain significance for Atypical hemolytic-uremic syndrome. Last evaluated: 2026-09-17. Review status: criteria provided, single submitter. Criteria: Genomenon Sequence Variant Interpretation Standards - Updated. Collection method: curation. Allele origin: germline. Affected: yes.
Comment: C3 p.Thr162Lys (c.485C>A) is a missense variant that changes the amino acid at codon 162 from Threonine to Lysine. This variant has been observed in at least one proband affected with atypical hemolytic-uremic syndrome (PMID:20595690;24853860). Functional studies have been reported (PMID:25608561). It is absent or not present at a significant frequency in gnomAD. In silico models predict that this variant is possibly or probably damaging. In conclusion, we classify C3 p.Thr162Lys (c.485C>A) as a variant of uncertain significance.

Dr. Peter K. Rogan Lab, Western University
No classification provided (evidence only). Condition: Malignant tumor of esophagus. Review status: no classification provided. Collection method: in vitro. Allele origin: not applicable. Functional consequence: retained intron. Not counted in ClinVar's aggregate classification.

Literature cited by the submitters: PubMed 20595690 (cited by Genomenon, Inc); PubMed 24853860 (cited by Genomenon, Inc); PubMed 25608561 (cited by Genomenon, Inc).

NM_000064.4(C3):c.485C>A (p.Thr162Lys)

Gene: C3 (complement C3; minus strand). Cytogenetic location: 19p13.3.
Variant type: single nucleotide variant.
Coding change: c.485C>A on transcript NM_000064.4 (MANE Select); coding-DNA position 485, C replaced by A.
Protein change: p.Thr162Lys; replaces threonine 162 with lysine.
Molecular consequence: missense variant.
Genome position (GRCh38, 1-based): chr19:6,718,113, G>T on the plus strand (C>A on the coding strand, the complement: C3 is on the minus strand). VCF-style: chr19-6718113-G-T. GRCh37 (hg19) VCF-style: chr19-6718124-G-T.
Other names: NC_000019.9:g.6718124G>T; short protein forms T162K.
Identifiers: ClinVar variation 4280266 (VCV004280266.3).